The following is an entry in ClinVar:

ClinVar aggregate classification (germline): Uncertain significance (1 of 4 stars; one submission).

Conditions:
Glycogen storage disease XV (GSD15). Also called: GLYCOGENIN DEFICIENCY; GSD XV. Identifiers: Orphanet 263297, MedGen C3150754, MONDO:0013291, OMIM 613507.
Polyglucosan body myopathy type 2. Identifiers: Orphanet 456369, MedGen C4015452, MONDO:0014526, OMIM 616199.

Allele frequency attached by ClinVar (database versions not stated): gnomAD exomes 0.00001; TOPMed 0.00001; ExAC 0.00002.
gnomAD v4.1: 7 of 1,594,348 alleles (0.00044%); highest among the groups gnomAD compares: Admixed American, 0.012%; no homozygotes.

Submission:

Labcorp Genetics (formerly Invitae), Labcorp
Classification: Uncertain significance for Polyglucosan body myopathy type 2; Glycogen storage disease XV. Last evaluated: 2022-07-03. Review status: criteria provided, single submitter. Criteria: Invitae Variant Classification Sherloc (09022015). Collection method: clinical testing. Allele origin: germline.
Comment: This sequence change replaces arginine, which is basic and polar, with threonine, which is neutral and polar, at codon 292 of the GYG1 protein (p.Arg292Thr). This variant is present in population databases (rs781042039, gnomAD 0.02%). This variant has not been reported in the literature in individuals affected with GYG1-related conditions. Algorithms developed to predict the effect of missense changes on protein structure and function (SIFT, PolyPhen-2, Align-GVGD) all suggest that this variant is likely to be tolerated. In summary, the available evidence is currently insufficient to determine the role of this variant in disease. Therefore, it has been classified as a Variant of Uncertain Significance.

NM_004130.4(GYG1):c.875G>C (p.Arg292Thr)

Gene: GYG1 (glycogenin 1; plus strand). Cytogenetic location: 3q24.
Variant type: single nucleotide variant.
Coding change: c.875G>C on transcript NM_004130.4 (MANE Select); coding-DNA position 875, G replaced by C.
Protein change: p.Arg292Thr; replaces arginine 292 with threonine.
Molecular consequence: missense variant. On other transcripts: intron variant (2).
Genome position (GRCh38, 1-based): chr3:149,026,498, G>C. VCF-style: chr3-149026498-G-C. GRCh37 (hg19) VCF-style: chr3-148744285-G-C.
Other names: c.829-262G>C (NM_001184720.2); c.609-262G>C (NM_001184721.2); short protein forms R292T.
Identifiers: ClinVar variation 2052125 (VCV002052125.3), dbSNP rs781042039, ClinGen allele CA2658681.